The following is an entry in ClinVar:

NM_000260.4(MYO7A):c.2402A>C (p.His801Pro)

Gene: MYO7A (myosin VIIA; plus strand). Cytogenetic location: 11q13.5.
Variant type: single nucleotide variant.
Coding change: c.2402A>C on transcript NM_000260.4 (MANE Select); coding-DNA position 2402, A replaced by C.
Protein change: p.His801Pro; replaces histidine 801 with proline.
Molecular consequence: missense variant.
Genome position (GRCh38, 1-based): chr11:77,179,769, A>C. VCF-style: chr11-77179769-A-C. GRCh37 (hg19) VCF-style: chr11-76890815-A-C.
Other names: c.2402A>C, p.His801Pro (NM_001127180.2); c.2369A>C, p.His790Pro (NM_001369365.1); short protein forms H790P, H801P.
Identifiers: ClinVar variation 1209585 (VCV001209585.5), dbSNP rs1241891051, ClinGen allele CA381941496.

ClinVar aggregate classification (germline): Uncertain significance. Review status: criteria provided, multiple submitters, no conflicts (2 of 4 stars). 5 submissions from 3 submitters: Uncertain significance (5). Last evaluated 2026-01-14.

Conditions:
Usher syndrome type 1 (USH1). Also called: RETINITIS PIGMENTOSA AND CONGENITAL DEAFNESS. Identifiers: Orphanet 231169, Orphanet 886, MedGen C1568247, MONDO:0010168, OMIM 276900.
Autosomal recessive nonsyndromic hearing loss 2. Also called: NEUROSENSORY NONSYNDROMIC RECESSIVE DEAFNESS 2; DEAFNESS, AUTOSOMAL RECESSIVE 2. Identifiers: Orphanet 90636, MedGen C1838701, MONDO:0010807, OMIM 600060.
Autosomal dominant nonsyndromic hearing loss 11. Identifiers: Orphanet 90635, MedGen C1832475, MONDO:0011032, OMIM 601317.

Allele frequency attached by ClinVar (database versions not stated): TOPMed below 0.00001; gnomAD 0.00001.
gnomAD v4.1: 63 of 1,550,536 alleles (0.0041%); highest among the groups gnomAD compares: Non-Finnish European, 0.0053%; no homozygotes.

Submissions (5):

Labcorp Genetics (formerly Invitae), Labcorp
Classification: Uncertain significance. Last evaluated: 2026-01-14. Review status: criteria provided, single submitter. Criteria: Invitae Variant Classification Sherloc (09022015). Collection method: clinical testing. Allele origin: germline.
Comment: This sequence change replaces histidine, which is basic and polar, with proline, which is neutral and non-polar, at codon 801 of the MYO7A protein (p.His801Pro). This variant is not present in population databases (gnomAD no frequency). This variant has not been reported in the literature in individuals affected with MYO7A-related conditions. ClinVar contains an entry for this variant (Variation ID: 1209585). Invitae Evidence Modeling of protein sequence and biophysical properties (such as structural, functional, and spatial information, amino acid conservation, physicochemical variation, residue mobility, and thermodynamic stability) indicates that this missense variant is not expected to disrupt MYO7A protein function with a negative predictive value of 95%. In summary, the available evidence is currently insufficient to determine the role of this variant in disease. Therefore, it has been classified as a Variant of Uncertain Significance.

Fulgent Genetics
Classification: Uncertain significance for Usher syndrome type 1; Autosomal recessive nonsyndromic hearing loss 2; Autosomal dominant nonsyndromic hearing loss 11. Last evaluated: 2021-10-27. Review status: criteria provided, single submitter. Criteria: ACMG Guidelines, 2015. Collection method: clinical testing. Allele origin: unknown.

Genome-Nilou Lab
Classification: Uncertain significance for Autosomal dominant nonsyndromic hearing loss 11. Last evaluated: 2021-07-14. Review status: criteria provided, single submitter. Criteria: ACMG Guidelines, 2015. Collection method: clinical testing. Allele origin: germline. Affected: no.

Genome-Nilou Lab
Classification: Uncertain significance for Autosomal recessive nonsyndromic hearing loss 2. Last evaluated: 2021-07-14. Review status: criteria provided, single submitter. Criteria: ACMG Guidelines, 2015. Collection method: clinical testing. Allele origin: germline. Affected: no.

Genome-Nilou Lab
Classification: Uncertain significance for Usher syndrome type 1. Last evaluated: 2021-07-14. Review status: criteria provided, single submitter. Criteria: ACMG Guidelines, 2015. Collection method: clinical testing. Allele origin: germline. Affected: no.